The following is an entry in ClinVar:

ClinVar aggregate classification (germline): Uncertain significance (1 of 4 stars; one submission).

Conditions:
Noonan syndrome 9 (NS9). Identifiers: Orphanet 648, MedGen C4225282, MONDO:0014691, OMIM 616559.

Submission:

Labcorp Genetics (formerly Invitae), Labcorp
Classification: Uncertain significance for Noonan syndrome 9. Last evaluated: 2022-12-07. Review status: criteria provided, single submitter. Criteria: Invitae Variant Classification Sherloc (09022015). Collection method: clinical testing. Allele origin: germline.
Comment: In summary, the available evidence is currently insufficient to determine the role of this variant in disease. Therefore, it has been classified as a Variant of Uncertain Significance. Advanced modeling of protein sequence and biophysical properties (such as structural, functional, and spatial information, amino acid conservation, physicochemical variation, residue mobility, and thermodynamic stability) performed at Invitae indicates that this missense variant is not expected to disrupt SOS2 protein function. This variant has not been reported in the literature in individuals affected with SOS2-related conditions. This variant is not present in population databases (gnomAD no frequency). This sequence change replaces proline, which is neutral and non-polar, with serine, which is neutral and polar, at codon 1192 of the SOS2 protein (p.Pro1192Ser).

NM_006939.4(SOS2):c.3574C>T (p.Pro1192Ser)

Gene: SOS2 (SOS Ras/Rho guanine nucleotide exchange factor 2; minus strand). Cytogenetic location: 14q21.3.
Variant type: single nucleotide variant.
Coding change: c.3574C>T on transcript NM_006939.4 (MANE Select); coding-DNA position 3574, C replaced by T.
Protein change: p.Pro1192Ser; replaces proline 1192 with serine.
Molecular consequence: missense variant.
Genome position (GRCh38, 1-based): chr14:50,118,769, G>A on the plus strand (C>T on the coding strand, the complement: SOS2 is on the minus strand). VCF-style: chr14-50118769-G-A. GRCh37 (hg19) VCF-style: chr14-50585487-G-A.
Other names: c.3475C>T, p.Pro1159Ser (NM_001411020.1); short protein forms P1159S, P1192S.
Identifiers: ClinVar variation 2996644 (VCV002996644.3), dbSNP rs748928047, ClinGen allele CA389638639.